The following is an entry in ClinVar:

ClinVar aggregate classification (germline): Uncertain significance. Review status: criteria provided, multiple submitters, no conflicts (2 of 4 stars). 2 submissions from 2 submitters: Uncertain significance (2). Last evaluated 2022-12-12.

Conditions:
Oculodentodigital dysplasia, autosomal recessive. Also called: OCULODENTOOSSEOUS DYSPLASIA, AUTOSOMAL RECESSIVE; ODDD, AUTOSOMAL RECESSIVE; ODOD, AUTOSOMAL RECESSIVE. Identifiers: Orphanet 2710, MedGen C2749477, MONDO:0009768, OMIM 257850.

Allele frequency attached by ClinVar (database versions not stated): gnomAD exomes below 0.00001.
gnomAD v4.1: 1 of 1,613,892 alleles (0.000062%); highest among the groups gnomAD compares: Non-Finnish European, 0.000085%; no homozygotes.

Submissions (2):

Blueprint Genetics
Classification: Uncertain significance. Last evaluated: 2022-12-12. Review status: criteria provided, single submitter. Criteria: ACMG Guidelines, 2015. Collection method: clinical testing. Allele origin: germline.

Labcorp Genetics (formerly Invitae), Labcorp
Classification: Uncertain significance for Oculodentodigital dysplasia, autosomal recessive. Last evaluated: 2022-05-31. Review status: criteria provided, single submitter. Criteria: Invitae Variant Classification Sherloc (09022015). Collection method: clinical testing. Allele origin: germline.
Comment: Algorithms developed to predict the effect of missense changes on protein structure and function are either unavailable or do not agree on the potential impact of this missense change (SIFT: "Deleterious"; PolyPhen-2: "Benign"; Align-GVGD: "Class C0"). This sequence change replaces histidine, which is basic and polar, with leucine, which is neutral and non-polar, at codon 331 of the GJA1 protein (p.His331Leu). This variant is not present in population databases (gnomAD no frequency). This variant has not been reported in the literature in individuals affected with GJA1-related conditions. In summary, the available evidence is currently insufficient to determine the role of this variant in disease. Therefore, it has been classified as a Variant of Uncertain Significance.

NM_000165.5(GJA1):c.992A>T (p.His331Leu)

Gene: GJA1 (gap junction protein alpha 1; plus strand). Cytogenetic location: 6q22.31.
Variant type: single nucleotide variant.
Coding change: c.992A>T on transcript NM_000165.5 (MANE Select); coding-DNA position 992, A replaced by T.
Protein change: p.His331Leu; replaces histidine 331 with leucine.
Molecular consequence: missense variant.
Genome position (GRCh38, 1-based): chr6:121,447,839, A>T. VCF-style: chr6-121447839-A-T. GRCh37 (hg19) VCF-style: chr6-121768985-A-T.
Other names: short protein forms H331L.
Identifiers: ClinVar variation 2082427 (VCV002082427.5), dbSNP rs2536823142, ClinGen allele CA365560244.